The following is an entry in ClinVar:

ClinVar aggregate classification (germline): Uncertain significance (1 of 4 stars; one submission).

Conditions:
Hereditary cancer-predisposing syndrome. Also called: Neoplastic Syndromes, Hereditary; Tumor predisposition; Hereditary neoplastic syndrome; Hereditary Cancer Syndrome. Identifiers: Orphanet 140162, MedGen C0027672, MeSH D009386, MONDO:0015356.

Submission:

Ambry Genetics
Classification: Uncertain significance for Hereditary cancer-predisposing syndrome. Last evaluated: 2023-10-03. Review status: criteria provided, single submitter. Criteria: Ambry Variant Classification Scheme 2023. Collection method: clinical testing. Allele origin: germline.
Comment: The p.P3S variant (also known as c.7C>T), located in coding exon 1 of the RB1 gene, results from a C to T substitution at nucleotide position 7. The proline at codon 3 is replaced by serine, an amino acid with similar properties. This amino acid position is well conserved in available vertebrate species. In addition, the in silico prediction for this alteration is inconclusive. Since supporting evidence is limited at this time, the clinical significance of this alteration remains unclear.

NM_000321.3(RB1):c.7C>T (p.Pro3Ser)

Gene: RB1 (RB transcriptional corepressor 1; plus strand). Cytogenetic location: 13q14.2.
Variant type: single nucleotide variant.
Coding change: c.7C>T on transcript NM_000321.3 (MANE Select); coding-DNA position 7, C replaced by T.
Protein change: p.Pro3Ser; replaces proline 3 with serine.
Molecular consequence: missense variant.
Genome position (GRCh38, 1-based): chr13:48,303,919, C>T. VCF-style: chr13-48303919-C-T. GRCh37 (hg19) VCF-style: chr13-48878055-C-T.
Other names: c.7C>T, p.Pro3Ser (NM_001407165.1, NM_001407166.1, NM_001407167.1); short protein forms P3S.
Identifiers: ClinVar variation 3231250 (VCV003231250.1), dbSNP rs2138026983, ClinGen allele CA388250145.